The following is an entry in ClinVar:

NM_198880.3(QRICH1):c.961del (p.Asp321fs)

Gene: QRICH1 (glutamine rich 1; minus strand). Cytogenetic location: 3p21.31.
Variant type: Deletion.
Coding change: c.961del on transcript NM_198880.3 (MANE Select); coding-DNA position 961, one base deleted (G; older notation c.961delG).
Protein change: p.Asp321fs; shifts the reading frame from aspartic acid 321.
Molecular consequence: frameshift variant.
Genome position (GRCh38, 1-based): chr3:49,057,239, C deleted on the plus strand (G on the coding strand, the reverse complement: QRICH1 is on the minus strand); the first of 6 consecutive C bases (chr3:49,057,239-49,057,244); deleting any one gives the same sequence. VCF-style (leftmost placement, unchanged base first): chr3-49057238-TC-T. GRCh37 (hg19) VCF-style: chr3-49094671-TC-T.
Other names: c.961del, p.Asp321fs (NM_001320580.2, NM_001320581.2, NM_001320582.2 and 4 more transcripts); short protein forms D321fs.
Identifiers: ClinVar variation 1329914 (VCV001329914.3), dbSNP rs2106904870, ClinGen allele CA645538246.

ClinVar aggregate classification (germline): Pathogenic/Likely pathogenic. Review status: criteria provided, multiple submitters, no conflicts (2 of 4 stars). 2 submissions from 2 submitters: Pathogenic (1); Likely pathogenic (1). Last evaluated 2023-09-10.

Conditions:
Ververi-Brady syndrome. Identifiers: MedGen C4693824, MONDO:0979877, MONDO:0060707.

Submissions (2):

GeneDx
Classification: Pathogenic. Last evaluated: 2023-09-10. Review status: criteria provided, single submitter. Criteria: GeneDx Variant Classification Process June 2021. Collection method: clinical testing. Allele origin: germline. Affected: yes.
Comment: Frameshift variant predicted to result in protein truncation or nonsense mediated decay in a gene for which loss of function is a known mechanism of disease; Not observed at significant frequency in large population cohorts (gnomAD); This variant is associated with the following publications: (PMID: 34859529)

Institute of Human Genetics, University of Leipzig Medical Center
Classification: Likely pathogenic for Ververi-Brady syndrome 1. Last evaluated: 2021-12-21. Review status: criteria provided, single submitter. Criteria: ACMG Guidelines, 2015. Collection method: research. Allele origin: germline. Affected: yes.

Literature cited by the submitters: PubMed 34859529 (cited by Institute of Human Genetics, University of Leipzig Medical Center).